The following is an entry in ClinVar:

NM_206933.4(USH2A):c.3464G>A (p.Ser1155Asn)

Genes: USH2A (usherin; minus strand), USH2A-AS1 (USH2A antisense RNA 1; plus strand). Cytogenetic location: 1q41.
Variant type: single nucleotide variant.
Coding change: c.3464G>A on transcript NM_206933.4 (MANE Select); coding-DNA position 3464, G replaced by A.
Protein change: p.Ser1155Asn; replaces serine 1155 with asparagine.
Molecular consequence: missense variant.
Genome position (GRCh38, 1-based): chr1:216,199,974, C>T on the plus strand (G>A on the coding strand, the complement: USH2A is on the minus strand). VCF-style: chr1-216199974-C-T. GRCh37 (hg19) VCF-style: chr1-216373316-C-T.
Other names: c.3464G>A, p.Ser1155Asn (NM_007123.6); short protein forms S1155N.
Identifiers: ClinVar variation 1405913 (VCV001405913.8), dbSNP rs760702994, ClinGen allele CA344868550.

ClinVar aggregate classification (germline): Uncertain significance (1 of 4 stars; one submission).

Submission:

Labcorp Genetics (formerly Invitae), Labcorp
Classification: Uncertain significance. Last evaluated: 2022-08-08. Review status: criteria provided, single submitter. Criteria: Invitae Variant Classification Sherloc (09022015). Collection method: clinical testing. Allele origin: germline.
Comment: In summary, the available evidence is currently insufficient to determine the role of this variant in disease. Therefore, it has been classified as a Variant of Uncertain Significance. Algorithms developed to predict the effect of missense changes on protein structure and function output the following: SIFT: "Tolerated"; PolyPhen-2: "Benign"; Align-GVGD: "Class C0". The asparagine amino acid residue is found in multiple mammalian species, which suggests that this missense change does not adversely affect protein function. ClinVar contains an entry for this variant (Variation ID: 1405913). This variant has not been reported in the literature in individuals affected with USH2A-related conditions. This variant is not present in population databases (gnomAD no frequency). This sequence change replaces serine, which is neutral and polar, with asparagine, which is neutral and polar, at codon 1155 of the USH2A protein (p.Ser1155Asn).